The following is an entry in ClinVar:

ClinVar aggregate classification (germline): Pathogenic (1 of 4 stars; one submission).

Conditions:
Primary ciliary dyskinesia 28. Also called: CILIARY DYSKINESIA, PRIMARY, 28, WITH OR WITHOUT SITUS INVERSUS. Identifiers: Orphanet 244, MedGen C3809706, MONDO:0014216, OMIM 615505.

Submission:

Labcorp Genetics (formerly Invitae), Labcorp
Classification: Pathogenic for Primary ciliary dyskinesia 28. Last evaluated: 2018-08-31. Review status: criteria provided, single submitter. Criteria: Invitae Variant Classification Sherloc (09022015). Collection method: clinical testing. Allele origin: germline.
Comment: This variant is not present in population databases (ExAC no frequency). Loss-of-function variants in SPAG1 are known to be pathogenic (PMID: 24055112). For these reasons, this variant has been classified as Pathogenic. This sequence change creates a premature translational stop signal (p.Glu109Argfs*3) in the SPAG1 gene. It is expected to result in an absent or disrupted protein product.

Literature cited by the submitters: PubMed 24055112.

NM_003114.5(SPAG1):c.325_326del (p.Glu109fs)

Gene: SPAG1 (sperm associated antigen 1; plus strand). Cytogenetic location: 8q22.2.
Variant type: Deletion.
Coding change: c.325_326del on transcript NM_003114.5 (MANE Select); coding-DNA positions 325 to 326, 2 bases deleted (GA; older notation c.325_326delGA).
Protein change: p.Glu109fs; shifts the reading frame from glutamic acid 109.
Molecular consequence: frameshift variant.
Genome position (GRCh38, 1-based): chr8:100,177,840-100,177,841, GA deleted; deleting any 2 consecutive bases within chr8:100,177,839-100,177,841 gives the same sequence; the c. name uses the placement nearest the transcript's 3' end. VCF-style (leftmost placement, unchanged base first): chr8-100177838-AAG-A. GRCh37 (hg19) VCF-style: chr8-101190066-AAG-A.
Other names: c.325_326delGA (NM_172218.2); c.325_326del, p.Glu109fs (NM_001374321.1, NM_172218.3); short protein forms E109fs.
Identifiers: ClinVar variation 411002 (VCV000411002.9), dbSNP rs1060503107, ClinGen allele CA16612181.